The following is an entry in ClinVar:

NM_001379500.1(COL18A1):c.929-4C>A

Gene: COL18A1 (collagen type XVIII alpha 1 chain; plus strand). Cytogenetic location: 21q22.3.
Variant type: single nucleotide variant.
Coding change: c.929-4C>A on transcript NM_001379500.1 (MANE Select); 4 bases into the intron before coding-DNA position 929, C replaced by A.
Molecular consequence: intron variant.
Genome position (GRCh38, 1-based): chr21:45,477,407, C>A. VCF-style: chr21-45477407-C-A. GRCh37 (hg19) VCF-style: chr21-46897321-C-A.
Other names: c.1469-4C>A (NM_030582.3, NM_030582.4); c.2174-4C>A (NM_130444.3).
Identifiers: ClinVar variation 1169802 (VCV001169802.12), dbSNP rs370679863, ClinGen allele CA10066017.

ClinVar aggregate classification (germline): Benign/Likely benign. Review status: criteria provided, multiple submitters, no conflicts (2 of 4 stars). 3 submissions from 3 submitters: Benign (1); Likely benign (1). 1 of the submissions does not count toward it. Last evaluated 2026-01-05.

Conditions:
COL18A1-related disorder. Also called: COL18A1-related condition; COL18A1-related disorders.

Allele frequency attached by ClinVar (database versions not stated): ESP Exome Variant Server 0.00090; 1000 Genomes Project 0.00140; 1000 Genomes Project 30x 0.00156.

Submissions (3):

Labcorp Genetics (formerly Invitae), Labcorp
Classification: Benign. Last evaluated: 2026-01-05. Review status: criteria provided, single submitter. Criteria: Invitae Variant Classification Sherloc (09022015). Collection method: clinical testing. Allele origin: germline.

Blueprint Genetics
Classification: Likely benign. Last evaluated: 2024-11-26. Review status: criteria provided, single submitter. Criteria: ACMG Guidelines, 2015. Collection method: clinical testing. Allele origin: germline.

PreventionGenetics, part of Exact Sciences
Classification: Likely benign for COL18A1-related condition. Last evaluated: 2021-04-02. Review status: no assertion criteria provided. Collection method: clinical testing. Allele origin: germline. Not counted in ClinVar's aggregate classification.
Comment: This variant is classified as likely benign based on ACMG/AMP sequence variant interpretation guidelines (Richards et al. 2015 PMID: 25741868, with internal and published modifications).